The following is an entry in ClinVar:

NM_001267550.2(TTN):c.8185G>A (p.Glu2729Lys)

Gene: TTN (titin; minus strand). Cytogenetic location: 2q31.2.
Variant type: single nucleotide variant.
Coding change: c.8185G>A on transcript NM_001267550.2 (MANE Select); coding-DNA position 8185, G replaced by A.
Protein change: p.Glu2729Lys; replaces glutamic acid 2729 with lysine.
Molecular consequence: missense variant.
Genome position (GRCh38, 1-based): chr2:178,770,607, C>T on the plus strand (G>A on the coding strand, the complement: TTN is on the minus strand). VCF-style: chr2-178770607-C-T. GRCh37 (hg19) VCF-style: chr2-179635334-C-T.
Other names: c.8185G>A, p.Glu2729Lys (NM_001256850.1, NM_133378.4, NM_133379.5); c.8047G>A, p.Glu2683Lys (NM_133432.3, NM_133437.4, NM_003319.4); short protein forms E2683K, E2729K.
Identifiers: ClinVar variation 519123 (VCV000519123.6), dbSNP rs763702243, ClinGen allele CA2004631.
Genomic context (GRCh38, chr2:178,770,607, plus strand): 5'-ATTCCAGCACAACTCCATTTTTGATCCACTGGACACCTTTGACATTAGGGTGTGTAAGCT[C>T]GACAGTGAAAACAGCATCCTGTGTTTCTGTCACTGTGAGGTTCTTCAGAGTCTTCTTAAT-3'
Protein context (NP_001254479.2, residues 2719-2739): TETQDAVFTV[Glu2729Lys]LTHPNVKGVQ

ClinVar aggregate classification (germline): Uncertain significance. Review status: criteria provided, multiple submitters, no conflicts (2 of 4 stars). 2 submissions from 2 submitters: Uncertain significance (2). Last evaluated 2021-10-14.

Conditions:
Cardiovascular phenotype. Identifiers: MedGen CN230736.
Autosomal recessive limb-girdle muscular dystrophy type 2J (LGMDR10). Also called: MUSCULAR DYSTROPHY, LIMB-GIRDLE, AUTOSOMAL RECESSIVE 10; Limb-girdle muscular dystrophy, type 2J. Identifiers: Orphanet 140922, MedGen C1837342, MONDO:0012127, OMIM 608807.
Hypertrophic cardiomyopathy 9. Also called: Familial hypertrophic cardiomyopathy 9. Identifiers: MedGen C1861065, MONDO:0013412, OMIM 613765.
Tibial muscular dystrophy (TMD). Also called: Udd Distal Myopathy – Tibial Muscular Dystrophy; Tibial muscular dystrophy, tardive; UDD MYOPATHY. Identifiers: Orphanet 609, MedGen C1838244, MONDO:0010870, OMIM 600334.
Dilated cardiomyopathy 1G (CMD1G). Identifiers: Orphanet 154, MedGen C1858763, MONDO:0011400, OMIM 604145.
Early-onset myopathy with fatal cardiomyopathy (CMYO5). Also called: Salih Myopathy; CONGENITAL MYOPATHY 5 WITH CARDIOMYOPATHY. Identifiers: Orphanet 289377, MedGen C2673677, MONDO:0012714, OMIM 611705. Disease mechanism: loss of function.
Myopathy, myofibrillar, 9, with early respiratory failure (MFM9). Also called: MYOPATHY, PROXIMAL, WITH EARLY RESPIRATORY MUSCLE INVOLVEMENT; Myopathy, distal, with early respiratory failure, autosomal dominant; Hereditary myopathy with early respiratory failure; EDSTROM MYOPATHY. Identifiers: Orphanet 178464, Orphanet 34521, MedGen C1863599, MONDO:0011362, OMIM 603689.

Allele frequency attached by ClinVar (database versions not stated): ExAC 0.00001; gnomAD exomes 0.00001; TOPMed 0.00003; gnomAD 0.00009 and 0.00010.

Submissions (2):

Fulgent Genetics
Classification: Uncertain significance for Tibial muscular dystrophy; Myopathy, myofibrillar, 9, with early respiratory failure; Dilated cardiomyopathy 1G; Autosomal recessive limb-girdle muscular dystrophy type 2J; Early-onset myopathy with fatal cardiomyopathy; Hypertrophic cardiomyopathy 9. Last evaluated: 2021-10-14. Review status: criteria provided, single submitter. Criteria: ACMG Guidelines, 2015. Collection method: clinical testing. Allele origin: unknown.

Ambry Genetics
Classification: Uncertain significance for Cardiovascular phenotype. Last evaluated: 2016-09-01. Review status: criteria provided, single submitter. Criteria: Ambry Variant Classification Scheme 2023. Collection method: clinical testing. Allele origin: germline.
Comment: The p.E2683K variant (also known as c.8047G>A), located in coding exon 33 of the TTN gene, results from a G to A substitution at nucleotide position 8047. This alteration is located in the I-band region of the N2-B isoform of the titin protein. The glutamic acid at codon 2683 is replaced by lysine, an amino acid with similar properties. Based on data from ExAC, the A allele has an overall frequency of less than 0.01% (1/121322). This amino acid position is highly conserved in available vertebrate species. In addition, the in silico prediction for this alteration is inconclusive. Since supporting evidence is limited at this time, the clinical significance of this alteration remains unclear.